The following is an entry in ClinVar:

NM_006941.4(SOX10):c.797G>A (p.Gly266Asp)

Genes: POLR2F (RNA polymerase II, I and III subunit F; plus strand), SOX10 (SRY-box transcription factor 10; minus strand). Cytogenetic location: 22q13.1.
Variant type: single nucleotide variant.
Coding change: c.797G>A on transcript NM_006941.4 (MANE Select); coding-DNA position 797, G replaced by A.
Protein change: p.Gly266Asp; replaces glycine 266 with aspartic acid.
Molecular consequence: missense variant. On other transcripts: intron variant (3).
Genome position (GRCh38, 1-based): chr22:37,974,099, C>T on the plus strand (G>A on the coding strand, the complement: SOX10 is on the minus strand). VCF-style: chr22-37974099-C-T. GRCh37 (hg19) VCF-style: chr22-38370106-C-T.
Other names: c.*38+1789C>T (NM_001363825.1); c.293+6929C>T (NM_001301130.2, NM_001301131.2); short protein forms G266D.
Identifiers: ClinVar variation 2229966 (VCV002229966.6), dbSNP rs756628609, ClinGen allele CA10228584.
Genomic context (GRCh38, chr22:37,974,099, plus strand): 5'-ATTACCTCGTGGCTGATCTCACCAATGTCCACGTTGCCGAAGTCGATGTGAGGCTTCCCG[C>T]CCTCCCCCATGGAGCGCCCGTCCCGCTTCGGGTCTGCCTTGCCCGACTGCAGCTCTGTCT-3'
Protein context (NP_008872.1, residues 256-276): PKRDGRSMGE[Gly266Asp]GKPHIDFGNV

ClinVar aggregate classification (germline): Uncertain significance. Review status: criteria provided, multiple submitters, no conflicts (2 of 4 stars). 4 submissions from 4 submitters: Uncertain significance (4). Last evaluated 2025-06-05.

Conditions:
SOX10-related disorder. Also called: SOX10-related condition.
Inborn genetic diseases. Identifiers: MedGen C0950123, MeSH D030342.

Allele frequency attached by ClinVar (database versions not stated): ExAC 0.00001; TOPMed 0.00001; gnomAD exomes 0.00001.
gnomAD v4.1: 3 of 1,613,852 alleles (0.00019%); highest among the groups gnomAD compares: Admixed American, 0.005%; no homozygotes.

Submissions (4):

PreventionGenetics, part of Exact Sciences
Classification: Uncertain significance for SOX10-related condition. Last evaluated: 2025-06-05. Review status: criteria provided, single submitter. Criteria: ACMG Guidelines, 2015. Collection method: clinical testing. Allele origin: germline.
Comment: The SOX10 c.797G>A variant is predicted to result in the amino acid substitution p.Gly266Asp. To our knowledge, this variant has not been reported in the literature. This variant is present in 0.0087% of alleles in individuals of Latino descent in gnomAD. At this time, the clinical significance of this variant is uncertain due to the absence of conclusive functional and genetic evidence.

GeneDx
Classification: Uncertain significance. Last evaluated: 2023-08-21. Review status: criteria provided, single submitter. Criteria: GeneDx Variant Classification Process June 2021. Collection method: clinical testing. Allele origin: germline. Affected: yes.
Comment: In silico analysis supports that this missense variant has a deleterious effect on protein structure/function; Has not been previously published as pathogenic or benign to our knowledge

Labcorp Genetics (formerly Invitae), Labcorp
Classification: Uncertain significance. Last evaluated: 2022-12-09. Review status: criteria provided, single submitter. Criteria: Invitae Variant Classification Sherloc (09022015). Collection method: clinical testing. Allele origin: germline.
Comment: This sequence change replaces glycine, which is neutral and non-polar, with aspartic acid, which is acidic and polar, at codon 266 of the SOX10 protein (p.Gly266Asp). This variant is present in population databases (rs756628609, gnomAD 0.009%). This variant has not been reported in the literature in individuals affected with SOX10-related conditions. Advanced modeling of protein sequence and biophysical properties (such as structural, functional, and spatial information, amino acid conservation, physicochemical variation, residue mobility, and thermodynamic stability) performed at Invitae indicates that this missense variant is not expected to disrupt SOX10 protein function. In summary, the available evidence is currently insufficient to determine the role of this variant in disease. Therefore, it has been classified as a Variant of Uncertain Significance.

Ambry Genetics
Classification: Uncertain significance for Inborn genetic diseases. Last evaluated: 2021-03-19. Review status: criteria provided, single submitter. Criteria: Ambry Variant Classification Scheme 2023. Collection method: clinical testing. Allele origin: germline.
Comment: The c.797G>A (p.G266D) alteration is located in exon 4 (coding exon 3) of the SOX10 gene. This alteration results from a G to A substitution at nucleotide position 797, causing the glycine (G) at amino acid position 266 to be replaced by an aspartic acid (D). The p.G266D alteration is predicted to be tolerated by in silico analysis. Based on insufficient or conflicting evidence, the clinical significance of this alteration remains unclear.